The following is an entry in ClinVar:

NM_006767.4(LZTR1):c.1786G>A (p.Glu596Lys)

Gene: LZTR1 (leucine zipper like post translational regulator 1; plus strand). Cytogenetic location: 22q11.21.
Variant type: single nucleotide variant.
Coding change: c.1786G>A on transcript NM_006767.4 (MANE Select); coding-DNA position 1786, G replaced by A.
Protein change: p.Glu596Lys; replaces glutamic acid 596 with lysine.
Molecular consequence: missense variant.
Genome position (GRCh38, 1-based): chr22:20,994,870, G>A. VCF-style: chr22-20994870-G-A. GRCh37 (hg19) VCF-style: chr22-21349159-G-A.
Other names: c.1786G>A (NM_006767.3); short protein forms E596K.
Identifiers: ClinVar variation 1412190 (VCV001412190.15), dbSNP rs1035245166, ClinGen allele CA322270026.
Genomic context (GRCh38, chr22:20,994,870, plus strand): 5'-CTCGCCCAGCCTGGGGCCCTGGCTTGACTCTGCCTGCCTGCCTGTGCCTGTCTGCCCCAG[G>A]AGCACTGCCTGAACTTCGTGGTAAAGGAGTCCCACTTCAACCAGGTGATCATGATGAAGG-3'
Protein context (NP_006758.2, residues 586-606): AARLQLSQLK[Glu596Lys]HCLNFVVKES

ClinVar aggregate classification (germline): Uncertain significance. Review status: criteria provided, multiple submitters, no conflicts (2 of 4 stars). 4 submissions from 4 submitters: Uncertain significance (4). Last evaluated 2026-02-11.

Conditions:
Cardiovascular phenotype. Identifiers: MedGen CN230736.
Hereditary cancer-predisposing syndrome. Also called: Hereditary Cancer Syndrome; Tumor predisposition; Hereditary neoplastic syndrome; Neoplastic Syndromes, Hereditary. Identifiers: Orphanet 140162, MedGen C0027672, MeSH D009386, MONDO:0015356.
Noonan syndrome 10 (NS10). Identifiers: Orphanet 648, MedGen C4225280, MONDO:0014693, OMIM 616564.

Allele frequency attached by ClinVar (database versions not stated): gnomAD 0.00001; TOPMed 0.00001.
gnomAD v4.1: 2 of 1,613,064 alleles (0.00012%); highest among the groups gnomAD compares: African/African-American, 0.0013%; no homozygotes.

Submissions (4):

St. Jude Molecular Pathology, St. Jude Children's Research Hospital
Classification: Uncertain significance for Noonan syndrome 10. Last evaluated: 2026-02-11. Review status: criteria provided, single submitter. Criteria: St. Jude Assertion Criteria 2020. Collection method: clinical testing. Allele origin: germline.
Comment: The LZTR1 c.1786G>A p.(Glu596Lys) missense change is absent in gnomAD v2.1.1. The in silico tool REVEL is inconclusive about a pathogenic or benign effect of this variant on protein function, and to our knowledge functional studies have not been performed. Algorithms that predict the impact of sequence changes on splicing indicate that this change may impact splicing but to our knowledge these predictions have not been confirmed by RNA studies. To our knowledge, this variant has not been reported in individuals with Noonan syndrome or schwannomatosis. In summary, the evidence currently available is insufficient to determine the clinical significance of this variant. It has therefore been classified as of uncertain significance.

Labcorp Genetics (formerly Invitae), Labcorp
Classification: Uncertain significance. Last evaluated: 2025-10-15. Review status: criteria provided, single submitter. Criteria: Invitae Variant Classification Sherloc (09022015). Collection method: clinical testing. Allele origin: germline.
Comment: This sequence change replaces glutamic acid, which is acidic and polar, with lysine, which is basic and polar, at codon 596 of the LZTR1 protein (p.Glu596Lys). This variant is not present in population databases (gnomAD no frequency). This variant has not been reported in the literature in individuals affected with LZTR1-related conditions. ClinVar contains an entry for this variant (Variation ID: 1412190). An algorithm developed to predict the effect of missense changes on protein structure and function (PolyPhen-2) suggests that this variant is likely to be disruptive. Algorithms developed to predict the effect of sequence changes on RNA splicing suggest that this variant may create or strengthen a splice site. In summary, the available evidence is currently insufficient to determine the role of this variant in disease. Therefore, it has been classified as a Variant of Uncertain Significance.

Ambry Genetics
Classification: Uncertain significance for Cardiovascular phenotype; Hereditary cancer-predisposing syndrome. Last evaluated: 2024-11-05. Review status: criteria provided, single submitter. Criteria: Ambry Variant Classification Scheme 2023. Collection method: clinical testing. Allele origin: germline.
Comment: The p.E596K variant (also known as c.1786G>A), located in coding exon 16 of the LZTR1 gene, results from a G to A substitution at nucleotide position 1786. This variant impacts the first base pair of coding exon 16. The glutamic acid at codon 596 is replaced by lysine, an amino acid with similar properties. This amino acid position is highly conserved in available vertebrate species. In addition, the in silico prediction for this alteration is inconclusive. Based on the available evidence, the clinical significance of this variant remains unclear.

Greenwood Genetic Center Diagnostic Laboratories, Greenwood Genetic Center
Classification: Uncertain significance. Last evaluated: 2022-12-19. Review status: criteria provided, single submitter. Criteria: ACMG Guidelines, 2015. Collection method: clinical testing. Allele origin: germline. Affected: yes.
Comment: PM2